The following is an entry in ClinVar:

ClinVar aggregate classification (germline): Benign/Likely benign. Review status: criteria provided, multiple submitters, no conflicts (2 of 4 stars). 7 submissions from 7 submitters: Benign (6); Likely benign (1). Last evaluated 2026-02-04.

Conditions:
STING-associated vasculopathy with onset in infancy. Also called: Sting-associated vasculopathy, infantile-onset. Identifiers: Orphanet 425120, MedGen C4014722, MONDO:0014405, OMIM 615934.
Autoinflammatory syndrome. Identifiers: Orphanet 93665, MedGen C3890737, MONDO:0019751.

Allele frequency attached by ClinVar (database versions not stated): ESP Exome Variant Server 0.10480; gnomAD 0.12831 and 0.13741; TOPMed 0.14177; gnomAD exomes 0.15103 and 0.19466; ExAC 0.18339; 1000 Genomes Project 30x 0.19582; 1000 Genomes Project 0.20308.
gnomAD v4.1: 242,217 of 1,613,470 alleles (15%); highest among the groups gnomAD compares: East Asian, 43%; 22,403 homozygotes.

Submissions (7):

Labcorp Genetics (formerly Invitae), Labcorp
Classification: Benign for STING-associated vasculopathy with onset in infancy. Last evaluated: 2026-02-04. Review status: criteria provided, single submitter. Criteria: Invitae Variant Classification Sherloc (09022015). Collection method: clinical testing. Allele origin: germline.

Women's Health and Genetics/Laboratory Corporation of America, LabCorp
Classification: Likely benign. Last evaluated: 2026-01-21. Review status: criteria provided, single submitter. Criteria: LabCorp Variant Classification Summary - May 2015. Collection method: clinical testing. Allele origin: germline.

Blueprint Genetics
Classification: Benign. Last evaluated: 2024-11-26. Review status: criteria provided, single submitter. Criteria: ACMG Guidelines, 2015. Collection method: clinical testing. Allele origin: germline.

Unidad de Genómica Garrahan, Hospital de Pediatría Garrahan
Classification: Benign. Last evaluated: 2023-11-12. Review status: criteria provided, single submitter. Criteria: ACMG Guidelines, 2015. Collection method: clinical testing. Allele origin: germline. Affected: no. Observed: 43 variant alleles.
Comment: This variant is classified as Benign based on local population frequency. This variant was detected in 45% of patients studied by a panel of primary immunodeficiencies. Number of patients: 43. Only high quality variants are reported.

Mayo Clinic Laboratories, Mayo Clinic
Classification: Benign. Last evaluated: 2023-08-16. Review status: criteria provided, single submitter. Criteria: ACMG Guidelines, 2015. Collection method: clinical testing. Allele origin: germline. Observed: 143 variant alleles.
Comment: BA1

Genome Diagnostics Laboratory, The Hospital for Sick Children
Classification: Benign for Autoinflammatory syndrome. Last evaluated: 2022-01-14. Review status: criteria provided, single submitter. Criteria: ACMG Guidelines, 2015. Collection method: clinical testing. Allele origin: germline. Affected: yes.

GeneDx
Classification: Benign. Last evaluated: 2021-05-05. Review status: criteria provided, single submitter. Criteria: GeneDx Variant Classification Process June 2021. Collection method: clinical testing. Allele origin: germline. Affected: yes.
Comment: This variant is associated with the following publications: (PMID: 21248775, 27927967, 24204993, 29632140)

NM_198282.4(STING1):c.212G>A (p.Arg71His)

Gene: STING1 (stimulator of interferon response cGAMP interactor 1; minus strand). Cytogenetic location: 5q31.2.
Variant type: single nucleotide variant.
Coding change: c.212G>A on transcript NM_198282.4 (MANE Select); coding-DNA position 212, G replaced by A.
Protein change: p.Arg71His; replaces arginine 71 with histidine.
Molecular consequence: missense variant. On other transcripts: intron variant (1).
Genome position (GRCh38, 1-based): chr5:139,481,493, C>T on the plus strand (G>A on the coding strand, the complement: STING1 is on the minus strand). VCF-style: chr5-139481493-C-T. GRCh37 (hg19) VCF-style: chr5-138861078-C-T.
Other names: p.Arg71His; c.212G>A, p.Arg71His (NM_001301738.2); c.-130-151G>A (NM_001367258.1); short protein forms R71H.
Identifiers: ClinVar variation 1167839 (VCV001167839.19), dbSNP rs11554776, ClinGen allele CA3435482.